The following is an entry in ClinVar:

ClinVar aggregate classification (germline): Uncertain significance (1 of 4 stars; one submission).

Conditions:
Hereditary spastic paraplegia 39 (SPG39). Also called: Spastic Paraplegia Type 39 (SPG39); SPASTIC PARAPLEGIA 39, AUTOSOMAL RECESSIVE. Identifiers: Orphanet 139480, MedGen C2677586, MONDO:0012787, OMIM 612020.

Submission:

Labcorp Genetics (formerly Invitae), Labcorp
Classification: Uncertain significance for Hereditary spastic paraplegia 39. Last evaluated: 2019-08-02. Review status: criteria provided, single submitter. Criteria: Invitae Variant Classification Sherloc (09022015). Collection method: clinical testing. Allele origin: germline.
Comment: In summary, the available evidence is currently insufficient to determine the role of this variant in disease. Therefore, it has been classified as a Variant of Uncertain Significance. Nucleotide substitutions within the consensus splice site are a relatively common cause of aberrant splicing (PMID: 17576681, 9536098). Algorithms developed to predict the effect of sequence changes on RNA splicing suggest that this variant is not likely to affect RNA splicing, but this prediction has not been confirmed by published transcriptional studies. This variant has not been reported in the literature in individuals with PNPLA6-related conditions. This variant is not present in population databases (ExAC no frequency). This sequence change falls in intron 15 of the PNPLA6 gene. It does not directly change the encoded amino acid sequence of the PNPLA6 protein, but it affects a nucleotide within the consensus splice site of the intron.

Literature cited by the submitters: PubMed 17576681; PubMed 9536098.

NM_001166114.2(PNPLA6):c.1531-3C>T

Gene: PNPLA6 (patatin like domain 6, lysophospholipase; plus strand). Cytogenetic location: 19p13.2.
Variant type: single nucleotide variant.
Coding change: c.1531-3C>T on transcript NM_001166114.2 (MANE Select); 3 bases into the intron before coding-DNA position 1531, C replaced by T.
Molecular consequence: intron variant.
Genome position (GRCh38, 1-based): chr19:7,543,004, C>T. VCF-style: chr19-7543004-C-T. GRCh37 (hg19) VCF-style: chr19-7607890-C-T.
Other names: c.1414-3C>T (NM_006702.5, NM_001166113.1); c.1413+76C>T (NM_001166112.2); c.1558-3C>T (NM_001166111.2).
Identifiers: ClinVar variation 956380 (VCV000956380.8), dbSNP rs2023226974, ClinGen allele CA645618938.